The following is an entry in ClinVar:

NM_001145678.3(KIAA0825):c.136A>G (p.Lys46Glu)

Gene: KIAA0825 (KIAA0825; minus strand). Cytogenetic location: 5q15.
Variant type: single nucleotide variant.
Coding change: c.136A>G on transcript NM_001145678.3 (MANE Select); coding-DNA position 136, A replaced by G.
Protein change: p.Lys46Glu; replaces lysine 46 with glutamic acid.
Molecular consequence: missense variant. On other transcripts: non-coding transcript variant (3).
Genome position (GRCh38, 1-based): chr5:94,524,094, T>C on the plus strand (A>G on the coding strand, the complement: KIAA0825 is on the minus strand). VCF-style: chr5-94524094-T-C. GRCh37 (hg19) VCF-style: chr5-93859799-T-C.
Other names: NC_000005.9:g.93859799T>C; c.136A>G, p.Lys46Glu (NM_001385712.1, NM_001385713.1, NM_001385714.1 and 13 more transcripts); c.25A>G, p.Lys9Glu (NM_001385724.1); short protein forms K46E, K9E.
Identifiers: ClinVar variation 3056746 (VCV003056746.3), dbSNP rs2044909, ClinGen allele CA3344343.
Genomic context (GRCh38, chr5:94,524,094, plus strand): 5'-GCAGCTGCACACCTGGACATTGTTTGTTAATTTCGGACTGTATCTCTTTAATGCAATGTT[T>C]TATGCTATAAAAAACAGAAGAAAAAGTTATTTTGGCAGGATATAGATAATGGCTTCATTT-3'
Protein context (NP_001139150.1, residues 36-56): EKIEQNAASI[Lys46Glu]HCIKEIQSEI

ClinVar aggregate classification (germline): Benign (0 of 4 stars; one submission).

Conditions:
KIAA0825-related disorder. Also called: KIAA0825-related condition.

Allele frequency attached by ClinVar (database versions not stated): gnomAD exomes 0.01100; ExAC 0.03678; gnomAD 0.10563; 1000 Genomes Project 0.11502; ESP Exome Variant Server 0.11958; 1000 Genomes Project 30x 0.11961; TOPMed 0.11999.
gnomAD v4.1: 32,592 of 1,597,966 alleles (2%); highest among the groups gnomAD compares: African/African-American, 37%; 5,224 homozygotes.

Submissions (15):

PreventionGenetics, part of Exact Sciences
Classification: Benign for KIAA0825-related condition. Last evaluated: 2019-11-25. Review status: no assertion criteria provided. Collection method: clinical testing. Allele origin: germline.
Comment: This variant is classified as benign based on ACMG/AMP sequence variant interpretation guidelines (Richards et al. 2015 PMID: 25741868, with internal and published modifications).

Dr. Peter K. Rogan Lab, Western University
No classification provided (evidence only). Condition: Acute myeloid leukemia. Review status: no classification provided. Collection method: in vitro. Allele origin: not applicable. Functional consequence: retained intron. Not counted in ClinVar's aggregate classification.

Dr. Peter K. Rogan Lab, Western University
No classification provided (evidence only). Condition: Acute myeloid leukemia. Review status: no classification provided. Collection method: in vitro. Allele origin: not applicable. Functional consequence: retained intron. Not counted in ClinVar's aggregate classification.

Dr. Peter K. Rogan Lab, Western University
No classification provided (evidence only). Condition: Acute myeloid leukemia. Review status: no classification provided. Collection method: in vitro. Allele origin: not applicable. Functional consequence: retained intron. Not counted in ClinVar's aggregate classification.

Dr. Peter K. Rogan Lab, Western University
No classification provided (evidence only). Condition: Thyroid cancer, nonmedullary, 1. Review status: no classification provided. Collection method: in vitro. Allele origin: not applicable. Functional consequence: retained intron. Not counted in ClinVar's aggregate classification.

Dr. Peter K. Rogan Lab, Western University
No classification provided (evidence only). Condition: Thyroid cancer, nonmedullary, 1. Review status: no classification provided. Collection method: in vitro. Allele origin: not applicable. Functional consequence: retained intron. Not counted in ClinVar's aggregate classification.

Dr. Peter K. Rogan Lab, Western University
No classification provided (evidence only). Condition: Thyroid cancer, nonmedullary, 1. Review status: no classification provided. Collection method: in vitro. Allele origin: not applicable. Functional consequence: retained intron. Not counted in ClinVar's aggregate classification.

Dr. Peter K. Rogan Lab, Western University
No classification provided (evidence only). Condition: Cervical cancer. Review status: no classification provided. Collection method: in vitro. Allele origin: not applicable. Functional consequence: retained intron. Not counted in ClinVar's aggregate classification.

Dr. Peter K. Rogan Lab, Western University
No classification provided (evidence only). Condition: Cervical cancer. Review status: no classification provided. Collection method: in vitro. Allele origin: not applicable. Functional consequence: retained intron. Not counted in ClinVar's aggregate classification.

Dr. Peter K. Rogan Lab, Western University
No classification provided (evidence only). Condition: Sarcoma. Review status: no classification provided. Collection method: in vitro. Allele origin: not applicable. Functional consequence: retained intron. Not counted in ClinVar's aggregate classification.

Dr. Peter K. Rogan Lab, Western University
No classification provided (evidence only). Condition: Sarcoma. Review status: no classification provided. Collection method: in vitro. Allele origin: not applicable. Functional consequence: retained intron. Not counted in ClinVar's aggregate classification.

Dr. Peter K. Rogan Lab, Western University
No classification provided (evidence only). Condition: Hepatocellular carcinoma. Review status: no classification provided. Collection method: in vitro. Allele origin: not applicable. Functional consequence: retained intron. Not counted in ClinVar's aggregate classification.

Dr. Peter K. Rogan Lab, Western University
No classification provided (evidence only). Condition: Cholangiocarcinoma. Review status: no classification provided. Collection method: in vitro. Allele origin: not applicable. Functional consequence: retained intron. Not counted in ClinVar's aggregate classification.

Dr. Peter K. Rogan Lab, Western University
No classification provided (evidence only). Condition: Gastric cancer. Review status: no classification provided. Collection method: in vitro. Allele origin: not applicable. Functional consequence: retained intron. Not counted in ClinVar's aggregate classification.

Dr. Peter K. Rogan Lab, Western University
No classification provided (evidence only). Condition: Malignant tumor of esophagus. Review status: no classification provided. Collection method: in vitro. Allele origin: not applicable. Functional consequence: skipped exon. Not counted in ClinVar's aggregate classification.